The following is an entry in ClinVar:

NM_001082486.2(ACD):c.992C>T (p.Pro331Leu)

Gene: ACD (ACD shelterin complex subunit and telomerase recruitment factor; minus strand). Cytogenetic location: 16q22.1.
Variant type: single nucleotide variant.
Coding change: c.992C>T on transcript NM_001082486.2 (MANE Select); coding-DNA position 992, C replaced by T.
Protein change: p.Pro331Leu; replaces proline 331 with leucine.
Molecular consequence: missense variant.
Genome position (GRCh38, 1-based): chr16:67,658,200, G>A on the plus strand (C>T on the coding strand, the complement: ACD is on the minus strand). VCF-style: chr16-67658200-G-A. GRCh37 (hg19) VCF-style: chr16-67692103-G-A.
Other names: c.905C>T, p.Pro302Leu (NM_001410884.1); c.983C>T, p.Pro328Leu (NM_022914.3); short protein forms P328L, P302L, P331L.
Identifiers: ClinVar variation 1760653 (VCV001760653.2), dbSNP rs1265024699, ClinGen allele CA396352560.

ClinVar aggregate classification (germline): Uncertain significance (1 of 4 stars; one submission).

Conditions:
Inborn genetic diseases. Identifiers: MedGen C0950123, MeSH D030342.

Allele frequency attached by ClinVar (database versions not stated): gnomAD exomes below 0.00001; gnomAD 0.00001.

Submission:

Ambry Genetics
Classification: Uncertain significance for Inborn genetic diseases. Last evaluated: 2022-09-12. Review status: criteria provided, single submitter. Criteria: Ambry Variant Classification Scheme 2023. Collection method: clinical testing. Allele origin: germline.
Comment: The p.P417L variant (also known as c.1250C>T), located in coding exon 10 of the ACD gene, results from a C to T substitution at nucleotide position 1250. The proline at codon 417 is replaced by leucine, an amino acid with similar properties. This amino acid position is conserved. In addition, this alteration is predicted to be tolerated by in silico analysis. Since supporting evidence is limited at this time, the clinical significance of this alteration remains unclear.